The following is an entry in ClinVar:

NM_001079802.2(FKTN):c.188T>C (p.Met63Thr)

Gene: FKTN (fukutin; plus strand). Cytogenetic location: 9q31.2.
Variant type: single nucleotide variant.
Coding change: c.188T>C on transcript NM_001079802.2 (MANE Select); coding-DNA position 188, T replaced by C.
Protein change: p.Met63Thr; replaces methionine 63 with threonine.
Molecular consequence: missense variant. On other transcripts: 5 prime UTR variant (4), non-coding transcript variant (2).
Genome position (GRCh38, 1-based): chr9:105,601,167, T>C. VCF-style: chr9-105601167-T-C. GRCh37 (hg19) VCF-style: chr9-108363448-T-C.
Other names: p.Met63Thr; c.188T>C (NM_001079802.1); c.188T>C, p.Met63Thr (NM_001198963.2, NM_001351496.2, NM_001351498.2 and 1 more transcripts); c.119T>C, p.Met40Thr (NM_001351497.2); c.-327T>C (NM_001351499.2, NM_001351500.2, NM_001351501.2 and 1 more transcripts); short protein forms M40T, M63T.
Identifiers: ClinVar variation 1447515 (VCV001447515.6), dbSNP rs772840681, ClinGen allele CA5170354.

ClinVar aggregate classification (germline): Uncertain significance. Review status: criteria provided, multiple submitters, no conflicts (2 of 4 stars). 5 submissions from 5 submitters: Uncertain significance (5). Last evaluated 2024-08-12.

Conditions:
Cardiovascular phenotype. Identifiers: MedGen CN230736.
Walker-Warburg congenital muscular dystrophy. Also called: Muscular dystrophy-dystroglycanopathy, type A; Walker-Warburg syndrome. Identifiers: Orphanet 899, MedGen C0265221, MONDO:0000171.
Dilated cardiomyopathy 1X (CMD1X). Also called: FKTN-Related Dilated Cardiomyopathy; CARDIOMYOPATHY, DILATED, WITH MILD OR NO PROXIMAL MUSCLE WEAKNESS. Identifiers: Orphanet 154, MedGen C1969024, MONDO:0012704, OMIM 611615.
Autosomal recessive limb-girdle muscular dystrophy type 2M. Also called: MUSCULAR DYSTROPHY-DYSTROGLYCANOPATHY (LIMB-GIRDLE), TYPE C, 4; MUSCULAR DYSTROPHY, LIMB-GIRDLE, TYPE 2M. Identifiers: Orphanet 206554, MedGen C1969040, MONDO:0012699, OMIM 611588.
Muscular dystrophy-dystroglycanopathy (congenital with brain and eye anomalies), type A, 4 (MDDGA4). Also called: Walker-Warburg Syndrome, Fktn-Related; Muscular dystrophy, congenital progressive, with mental retardation; Muscular dystrophy, congenital, with central nervous system involvement; Cerebromuscular dystrophy, Fukuyama type; Fukuyama congenital muscular dystrophy; Congenital muscular dystrophy-dystroglycanopathy with brain and eye anomalies, type A4. Identifiers: Orphanet 272, Orphanet 588, Orphanet 899, MedGen C0410174, MONDO:0009678, OMIM 253800.
Muscular dystrophy-dystroglycanopathy (congenital without impaired intellectual development), type B, 4. Also called: Muscular dystrophy-dystroglycanopathy (congenital without intellectual disability), type B4; MUSCULAR DYSTROPHY, CONGENITAL, FKTN-RELATED. Identifiers: MedGen C2751052, MONDO:0013156, OMIM 613152.
Muscular dystrophy-dystroglycanopathy (congenital with brain and eye anomalies), type A1 (MDDGA1). Also called: COD-MD SYNDROME; Muscular dystrophy-dystroglycanopathy (congenital with brain and eye anomalies), type A, 1; WALKER-WARBURG SYNDROME OR MUSCLE-EYE-BRAIN DISEASE, POMT1-RELATED; Hydrocephalus, agyria and retinal dysplasia; Hard +/- E syndrome; Warburg syndrome. Identifiers: Orphanet 588, Orphanet 899, MedGen C4284790, MONDO:0009364, OMIM 236670.

Allele frequency attached by ClinVar (database versions not stated): ExAC 0.00002; gnomAD exomes 0.00001 and 0.00003; TOPMed 0.00003; gnomAD 0.00002.
gnomAD v4.1: 11 of 1,606,200 alleles (0.00068%); highest among the groups gnomAD compares: Admixed American, 0.01%; no homozygotes.

Submissions (5):

Mayo Clinic Laboratories, Mayo Clinic
Classification: Uncertain significance. Last evaluated: 2024-08-12. Review status: criteria provided, single submitter. Criteria: ACMG Guidelines, 2015. Collection method: clinical testing. Allele origin: germline. Observed: 1 variant allele.
Comment: BP4

Ambry Genetics
Classification: Uncertain significance for Cardiovascular phenotype. Last evaluated: 2023-05-26. Review status: criteria provided, single submitter. Criteria: Ambry Variant Classification Scheme 2023. Collection method: clinical testing. Allele origin: germline.
Comment: The p.M63T variant (also known as c.188T>C), located in coding exon 3 of the FKTN gene, results from a T to C substitution at nucleotide position 188. The methionine at codon 63 is replaced by threonine, an amino acid with similar properties. This amino acid position is conserved. In addition, this alteration is predicted to be tolerated by in silico analysis. Since supporting evidence is limited at this time, the clinical significance of this alteration remains unclear.

Labcorp Genetics (formerly Invitae), Labcorp
Classification: Uncertain significance for Walker-Warburg congenital muscular dystrophy. Last evaluated: 2022-11-01. Review status: criteria provided, single submitter. Criteria: Invitae Variant Classification Sherloc (09022015). Collection method: clinical testing. Allele origin: germline.
Comment: This sequence change replaces methionine, which is neutral and non-polar, with threonine, which is neutral and polar, at codon 63 of the FKTN protein (p.Met63Thr). This variant is present in population databases (rs772840681, gnomAD 0.02%). This variant has not been reported in the literature in individuals affected with FKTN-related conditions. ClinVar contains an entry for this variant (Variation ID: 1447515). Advanced modeling of protein sequence and biophysical properties (such as structural, functional, and spatial information, amino acid conservation, physicochemical variation, residue mobility, and thermodynamic stability) performed at Invitae indicates that this missense variant is not expected to disrupt FKTN protein function. In summary, the available evidence is currently insufficient to determine the role of this variant in disease. Therefore, it has been classified as a Variant of Uncertain Significance.

Athena Diagnostics
Classification: Uncertain significance. Last evaluated: 2022-08-18. Review status: criteria provided, single submitter. Criteria: Athena Diagnostics Criteria. Collection method: clinical testing. Allele origin: unknown.

Fulgent Genetics
Classification: Uncertain significance for Muscular dystrophy-dystroglycanopathy (congenital with brain and eye anomalies), type A1; Muscular dystrophy-dystroglycanopathy (congenital with brain and eye anomalies), type A, 4; Autosomal recessive limb-girdle muscular dystrophy type 2M; Dilated cardiomyopathy 1X; Muscular dystrophy-dystroglycanopathy (congenital without impaired intellectual development), type B, 4. Last evaluated: 2021-09-13. Review status: criteria provided, single submitter. Criteria: ACMG Guidelines, 2015. Collection method: clinical testing. Allele origin: unknown.